The following is an entry in ClinVar:

NM_017866.6(TMEM70):c.210+4G>A

Genes: TMEM70 (transmembrane protein 70; plus strand), LOC130000614 (ATAC-STARR-seq lymphoblastoid silent region 19297; plus strand). Cytogenetic location: 8q21.11.
Variant type: single nucleotide variant.
Coding change: c.210+4G>A on transcript NM_017866.6 (MANE Select); 4 bases into the intron after coding-DNA position 210, G replaced by A.
Molecular consequence: intron variant.
Genome position (GRCh38, 1-based): chr8:73,976,495, G>A. VCF-style: chr8-73976495-G-A. GRCh37 (hg19) VCF-style: chr8-74888730-G-A.
Other names: c.210+4G>A (NM_001040613.3).
Identifiers: ClinVar variation 1406381 (VCV001406381.6), dbSNP rs1815652294, ClinGen allele CA1793942866.
Genomic context (GRCh38, chr8:73,976,495, plus strand): 5'-TGGAGTACGGGGCCTTCGGGAGCCGCGCGCCTTCTCCGGCGTCCGGGTCGAGCGCAGGTA[G>A]GGCGTCCGAGGTCTGGTGTCCCAAGTGAGGCGGGGAGGGCGGGCGTCGTGTCGGGCCTGG-3'

ClinVar aggregate classification (germline): Uncertain significance (1 of 4 stars; one submission).

Conditions:
Mitochondrial complex V (ATP synthase) deficiency, nuclear type 2. Also called: ENCEPHALOCARDIOMYOPATHY, MITOCHONDRIAL, NEONATAL, DUE TO ATP SYNTHASE DEFICIENCY; Nuclear-Encoded ATPase Deficiency, TMEM70-Related; MITOCHONDRIAL COMPLEX V (ATP SYNTHASE) DEFICIENCY, TMEM70 TYPE. Identifiers: Orphanet 1194, MedGen C3279699, MONDO:0013546, OMIM 614052.

Submission:

Labcorp Genetics (formerly Invitae), Labcorp
Classification: Uncertain significance for Mitochondrial complex V (ATP synthase) deficiency, nuclear type 2. Last evaluated: 2022-07-26. Review status: criteria provided, single submitter. Criteria: Invitae Variant Classification Sherloc (09022015). Collection method: clinical testing. Allele origin: germline.
Comment: This sequence change falls in intron 1 of the TMEM70 gene. It does not directly change the encoded amino acid sequence of the TMEM70 protein. It affects a nucleotide within the consensus splice site. This variant has not been reported in the literature in individuals affected with TMEM70-related conditions. This variant is not present in population databases (gnomAD no frequency). In summary, the available evidence is currently insufficient to determine the role of this variant in disease. Therefore, it has been classified as a Variant of Uncertain Significance. Variants that disrupt the consensus splice site are a relatively common cause of aberrant splicing (PMID: 17576681, 9536098). Algorithms developed to predict the effect of sequence changes on RNA splicing suggest that this variant is not likely to affect RNA splicing. ClinVar contains an entry for this variant (Variation ID: 1406381).

Literature cited by the submitters: PubMed 17576681; PubMed 9536098.